The following continues an entry in ClinVar:

NM_007194.4(CHEK2):c.1183G>C (p.Val395Leu)

Gene: CHEK2. ClinVar aggregate classification (germline): Uncertain significance. Uncertain significance (14).

Submissions 11 to 17 of 17:

GeneDx
Classification: Uncertain significance. Last evaluated: 2024-02-06. Review status: criteria provided, single submitter. Criteria: GeneDx Variant Classification Process June 2021. Collection method: clinical testing. Allele origin: germline. Affected: yes.
Comment: Not observed at significant frequency in large population cohorts (gnomAD); In silico analysis supports that this missense variant does not alter protein structure/function; Observed in individuals with colon, ovarian, and other cancers, and also in unaffected controls (PMID: 28135145, 31050813); Published functional studies showed no impact on DNA damage response in yeast-based assays, while a human cell-based assay demonstrated defective kinase activity (PMID: 30851065, 31050813); This variant is associated with the following publications: (PMID: 28135145, 30851065, 31050813, 32295079, Ozair2021[Abstract], Dosunmu2021[Abstract], 34628056, 28779002, 19782031, 22419737)

Blueprint Genetics
Classification: Uncertain significance. Last evaluated: 2023-10-04. Review status: criteria provided, single submitter. Criteria: ACMG Guidelines, 2015. Collection method: clinical testing. Allele origin: germline.

Myriad Genetics, Inc.
Classification: Uncertain significance for Familial cancer of breast. Last evaluated: 2023-03-09. Review status: criteria provided, single submitter. Criteria: Myriad Autosomal Dominant, Autosomal Recessive and X-Linked Classification Criteria (2023). Collection method: clinical testing. Allele origin: unknown.
Comment: This variant is classified as a variant of uncertain significance as there is insufficient evidence to determine its impact on protein function and/or cancer risk.

ARUP Laboratories, Molecular Genetics and Genomics, ARUP Laboratories
Classification: Uncertain significance. Last evaluated: 2022-02-10. Review status: criteria provided, single submitter. Criteria: ARUP Molecular Germline Variant Investigation Process 2021. Collection method: clinical testing. Allele origin: germline.
Comment: The CHEK2 c.1183G>C; p.Val395Leu variant (rs587780170) is reported in the literature in an individual with colorectal cancer (Yurgelun 2017) and an individual with ovarian cancer (Kleiblova 2019). This variant is also reported by multiple laboratories in the ClinVar database (Variation ID: 128049). One functional in vivo yeast-based assay showed the variant to be neutral (Delimitsou 2019). However, in vitro and cell-based kinase assays the variant was shown to be deleterious (Kleiblova 2019). This variant is found in the general population with an overall allele frequency of 0.003% (7/251068 alleles) in the Genome Aggregation Database. The valine at codon 395 is highly conserved, but computational analyses are uncertain whether this variant is neutral or deleterious (REVEL: 0.478). Based on available information, the clinical significance of this variant is uncertain at this time. References: Delimitsou A et al. Functional characterization of CHEK2 variants in a Saccharomyces cerevisiae system. Hum Mutat. 2019 May;40(5):631-648. PMID: 30851065. Kleiblova P et al. Identification of deleterious germline CHEK2 mutations and their association with breast and ovarian cancer. Int J Cancer. 2019 Oct 1;145(7):1782-1797. PMID: 31050813. Yurgelun MB et al. Cancer Susceptibility Gene Mutations in Individuals With Colorectal Cancer. J Clin Oncol. 2017 Apr 1;35(10):1086-1095. PMID: 28135145.

PreventionGenetics, part of Exact Sciences
Classification: Uncertain significance for CHEK2-related condition. Last evaluated: 2024-03-14. Review status: no assertion criteria provided. Collection method: clinical testing. Allele origin: germline. Not counted in ClinVar's aggregate classification.
Comment: The CHEK2 c.1183G>C variant is predicted to result in the amino acid substitution p.Val395Leu. This variant was previously reported in individuals with cancer, including colorectal or ovarian cancer (see, for example, Yurgelun et al. 2017. PubMed ID: 28135145; Kleiblova et al. 2019. PubMed ID: 31050813, see supplementary table S3). However, in one breast cancer cohort study, this variant was present in both affected individuals and healthy controls (Dorling et al. 2021. PubMed ID: 33471991, supplementary data, reported as chr22_29091774_C_G). Additionally, a functional analysis of the p.Val395Leu variant protein in a yeast model indicated that this change may be benign (Delimitsou et al. 2019. PubMed ID: 30851065). This variant is reported in 0.0062% of alleles in individuals of African descent in gnomAD and is interpreted as a variant of uncertain significance in ClinVar. At this time, the clinical significance of this variant is uncertain due to the absence of conclusive functional and genetic evidence.

CZECANCA consortium
Classification: Likely pathogenic for Breast and/or ovarian cancer. Last evaluated: 2019-06-11. Review status: no assertion criteria provided. Collection method: clinical testing. Allele origin: germline. Affected: yes. Observed: 1 variant allele. Not counted in ClinVar's aggregate classification.

Counsyl
Classification: Uncertain significance for Familial cancer of breast. Last evaluated: 2016-11-02. Review status: no assertion criteria provided. Collection method: clinical testing. Allele origin: unknown. Not counted in ClinVar's aggregate classification.

Literature cited by the submitters: PubMed 28135145 (cited by 4 submitters); PubMed 31050813 (cited by 6 submitters); PubMed 37449874 (cited by 5 submitters); PubMed 31409080 (cited by Department of Clinical Genetics, Copenhagen University Hospital, Rigshospitalet and Center for Genomic Medicine, Rigshospitalet, Copenhagen University Hospital); PubMed 30851065 (cited by 6 submitters); PubMed 33471991 (cited by Department of Clinical Genetics, Copenhagen University Hospital, Rigshospitalet and Color Diagnostics, LLC DBA Color Health); PubMed 28779002 (cited by Ambry Genetics and Quest Diagnostics Nichols Institute San Juan Capistrano); PubMed 32295079 (cited by CZECANCA consortium).